The following is an entry in ClinVar:

ClinVar aggregate classification (germline): Uncertain significance (1 of 4 stars; one submission).

Submission:

GeneDx
Classification: Uncertain significance. Last evaluated: 2024-12-03. Review status: criteria provided, single submitter. Criteria: GeneDx Variant Classification Process June 2021. Collection method: clinical testing. Allele origin: germline. Affected: yes.
Comment: Not observed at significant frequency in large population cohorts (gnomAD); In silico analysis supports that this missense variant has a deleterious effect on protein structure/function; Has not been previously published as pathogenic or benign to our knowledge

NM_015057.5(MYCBP2):c.10610G>T (p.Arg3537Leu)

Gene: MYCBP2 (MYC binding protein 2; minus strand). Cytogenetic location: 13q22.3.
Variant type: single nucleotide variant.
Coding change: c.10610G>T on transcript NM_015057.5 (MANE Select); coding-DNA position 10610, G replaced by T.
Protein change: p.Arg3537Leu; replaces arginine 3537 with leucine.
Molecular consequence: missense variant.
Genome position (GRCh38, 1-based): chr13:77,088,947, C>A on the plus strand (G>T on the coding strand, the complement: MYCBP2 is on the minus strand). VCF-style: chr13-77088947-C-A. GRCh37 (hg19) VCF-style: chr13-77663082-C-A.
Other names: short protein forms R3537L.
Identifiers: ClinVar variation 3901779 (VCV003901779.1).